The following is an entry in ClinVar:

ClinVar aggregate classification (germline): Likely pathogenic (1 of 4 stars; one submission).

Conditions:
Autosomal dominant nonsyndromic hearing loss 2A. Also called: DFNA2 Nonsyndromic Hearing Loss; Deafness, autosomal dominant 2A; Autosomal dominant nonsyndromic deafness 2A. Identifiers: Orphanet 90635, MedGen C2677637, MONDO:0010817, OMIM 600101.

Submission:

Juno Genomics, Hangzhou Juno Genomics, Inc
Classification: Likely pathogenic for Autosomal dominant nonsyndromic hearing loss 2A. Review status: criteria provided, single submitter. Criteria: ACMG Guidelines, 2015. Collection method: clinical testing. Allele origin: germline. Affected: yes.
Comment: Null variant in a gene where loss of function (LOF) is a known mechanism of disease.;Absent from controls (or at extremely low frequency if recessive) in Genome Aggregation Database, Exome Sequencing Project, 1000 Genomes Project, or Exome Aggregation Consortium.

NM_004700.4(KCNQ4):c.882G>A (p.Trp294Ter)

Gene: KCNQ4 (potassium voltage-gated channel subfamily Q member 4; plus strand). Cytogenetic location: 1p34.2.
Variant type: single nucleotide variant.
Coding change: c.882G>A on transcript NM_004700.4 (MANE Select); coding-DNA position 882, G replaced by A.
Protein change: p.Trp294Ter; replaces tryptophan 294 with a stop codon.
Molecular consequence: nonsense.
Genome position (GRCh38, 1-based): chr1:40,819,922, G>A. VCF-style: chr1-40819922-G-A. GRCh37 (hg19) VCF-style: chr1-41285594-G-A.
Other names: c.882G>A, p.Trp294Ter (NM_172163.3); short protein forms W294*.
Identifiers: ClinVar variation 3382564 (VCV003382564.2).